The following is an entry in ClinVar:

NM_015192.4(PLCB1):c.1679-34T>C

Gene: PLCB1 (phospholipase C beta 1; plus strand). Cytogenetic location: 20p12.3.
Variant type: single nucleotide variant.
Coding change: c.1679-34T>C on transcript NM_015192.4 (MANE Select); 34 bases into the intron before coding-DNA position 1679, T replaced by C.
Molecular consequence: intron variant.
Genome position (GRCh38, 1-based): chr20:8,727,275, T>C. VCF-style: chr20-8727275-T-C. GRCh37 (hg19) VCF-style: chr20-8707922-T-C.
Other names: c.1679-34T>C (NM_182734.3).
Identifiers: ClinVar variation 1708664 (VCV001708664.2), dbSNP rs150952039, ClinGen allele CA9760036.

ClinVar aggregate classification (germline): Likely benign (1 of 4 stars; one submission).

Allele frequency attached by ClinVar (database versions not stated): gnomAD 0.00050; gnomAD exomes 0.00067; TOPMed 0.00076; ExAC 0.00114; 1000 Genomes Project 30x 0.00125; 1000 Genomes Project 0.00160.
gnomAD v4.1: 654 of 1,020,188 alleles (0.064%); highest among the groups gnomAD compares: East Asian, 1%; 3 homozygotes.

Submission:

GeneDx
Classification: Likely benign. Last evaluated: 2022-02-11. Review status: criteria provided, single submitter. Criteria: GeneDx Variant Classification Process June 2021. Collection method: clinical testing. Allele origin: germline. Affected: yes.
Comment: See Variant Classification Assertion Criteria.